The following is an entry in ClinVar:

NM_001374353.1(GLI2):c.26C>T (p.Ala9Val)

Gene: GLI2 (GLI family zinc finger 2; plus strand). Cytogenetic location: 2q14.2.
Variant type: single nucleotide variant.
Coding change: c.26C>T on transcript NM_001374353.1 (MANE Select); coding-DNA position 26, C replaced by T.
Protein change: p.Ala9Val; replaces alanine 9 with valine.
Molecular consequence: missense variant. On other transcripts: 5 prime UTR variant (1).
Genome position (GRCh38, 1-based): chr2:120,797,346, C>T. VCF-style: chr2-120797346-C-T. GRCh37 (hg19) VCF-style: chr2-121554922-C-T.
Other names: c.26C>T, p.Ala9Val (NM_001371271.1, NM_005270.5); c.-244C>T (NM_001374354.1); short protein forms A9V.
Identifiers: ClinVar variation 3372958 (VCV003372958.1).

ClinVar aggregate classification (germline): Uncertain significance (1 of 4 stars; one submission).

gnomAD v4.1: 14 of 1,614,018 alleles (0.00087%); highest among the groups gnomAD compares: Non-Finnish European, 0.0012%; no homozygotes.

Submission:

GeneDx
Classification: Uncertain significance. Last evaluated: 2024-04-29. Review status: criteria provided, single submitter. Criteria: GeneDx Variant Classification Process June 2021. Collection method: clinical testing. Allele origin: germline. Affected: yes.
Comment: Not observed at significant frequency in large population cohorts (gnomAD); In silico analysis supports that this missense variant has a deleterious effect on protein structure/function; Has not been previously published as pathogenic or benign to our knowledge